The following is an entry in ClinVar:

ClinVar aggregate classification (germline): Uncertain significance (1 of 4 stars; one submission).

Conditions:
Inborn genetic diseases. Identifiers: MedGen C0950123, MeSH D030342.

gnomAD v4.1: 1 of 1,614,226 alleles (0.000062%); highest among the groups gnomAD compares: East Asian, 0.0022%; no homozygotes.

Submission:

Ambry Genetics
Classification: Uncertain significance for Inborn genetic diseases. Last evaluated: 2025-03-08. Review status: criteria provided, single submitter. Criteria: Ambry Variant Classification Scheme 2023. Collection method: clinical testing. Allele origin: germline.
Comment: The p.A1172T variant (also known as c.3514G>A), located in coding exon 13 of the ASXL1 gene, results from a G to A substitution at nucleotide position 3514. The alanine at codon 1172 is replaced by threonine, an amino acid with similar properties. This amino acid position is conserved. In addition, this alteration is predicted to be tolerated by in silico analysis. Based on the available evidence, the clinical significance of this variant remains unclear.

NM_015338.6(ASXL1):c.3514G>A (p.Ala1172Thr)

Gene: ASXL1 (ASXL transcriptional regulator 1; plus strand). Cytogenetic location: 20q11.21.
Variant type: single nucleotide variant.
Coding change: c.3514G>A on transcript NM_015338.6 (MANE Select); coding-DNA position 3514, G replaced by A.
Protein change: p.Ala1172Thr; replaces alanine 1172 with threonine.
Molecular consequence: missense variant.
Genome position (GRCh38, 1-based): chr20:32,436,226, G>A. VCF-style: chr20-32436226-G-A. GRCh37 (hg19) VCF-style: chr20-31024029-G-A.
Other names: c.3331G>A, p.Ala1111Thr (NM_001363734.1); short protein forms A1111T, A1172T.
Identifiers: ClinVar variation 3794234 (VCV003794234.1).